The following is an entry in ClinVar:

ClinVar aggregate classification (germline): Likely benign (1 of 4 stars; one submission).

Submission:

CeGaT Center for Human Genetics Tuebingen
Classification: Likely benign. Last evaluated: 2026-02-01. Review status: criteria provided, single submitter. Criteria: CeGaT Center For Human Genetics Tuebingen Variant Classification Criteria Version 2. Collection method: clinical testing. Allele origin: germline. Affected: yes. Observed: 1 variant allele.
Comment: PARS2: PM2:Supporting, BP4, BP7

NM_152268.4(PARS2):c.309A>G (p.Arg103=)

Gene: PARS2 (prolyl-tRNA synthetase 2, mitochondrial; minus strand). Cytogenetic location: 1p32.3.
Variant type: single nucleotide variant.
Coding change: c.309A>G on transcript NM_152268.4 (MANE Select); coding-DNA position 309, A replaced by G.
Protein change: p.Arg103=; no amino-acid change (arginine 103 retained).
Molecular consequence: synonymous variant.
Genome position (GRCh38, 1-based): chr1:54,758,853, T>C on the plus strand (A>G on the coding strand, the complement: PARS2 is on the minus strand). VCF-style: chr1-54758853-T-C. GRCh37 (hg19) VCF-style: chr1-55224526-T-C.
Identifiers: ClinVar variation 4822757 (VCV004822757.4).